The following is an entry in ClinVar:

NM_006005.3(WFS1):c.2513C>T (p.Pro838Leu)

Gene: WFS1 (wolframin ER transmembrane glycoprotein; plus strand). Cytogenetic location: 4p16.1.
Variant type: single nucleotide variant.
Coding change: c.2513C>T on transcript NM_006005.3 (MANE Select); coding-DNA position 2513, C replaced by T.
Protein change: p.Pro838Leu; replaces proline 838 with leucine.
Molecular consequence: missense variant.
Genome position (GRCh38, 1-based): chr4:6,302,308, C>T. VCF-style: chr4-6302308-C-T. GRCh37 (hg19) VCF-style: chr4-6304035-C-T.
Other names: c.2513C>T, p.Pro838Leu (NM_001145853.1); short protein forms P838L.
Identifiers: ClinVar variation 1317630 (VCV001317630.7), dbSNP rs374704428, ClinGen allele CA91797255.

ClinVar aggregate classification (germline): Uncertain significance. Review status: criteria provided, multiple submitters, no conflicts (2 of 4 stars). 3 submissions from 3 submitters: Uncertain significance (3). Last evaluated 2024-05-18.

Conditions:
Autosomal dominant nonsyndromic hearing loss 6 (LFSNHL). Also called: Autosomal dominant nonsyndromic deafness 6; DEAFNESS, AUTOSOMAL DOMINANT 6; DEAFNESS, AUTOSOMAL DOMINANT 14; DEAFNESS, AUTOSOMAL DOMINANT 38. Identifiers: Orphanet 90635, MedGen C1833021, MONDO:0010963, OMIM 600965.
Type 2 diabetes mellitus. Also called: Type II diabetes mellitus. Identifiers: MedGen C0011860, MeSH D003924, MONDO:0005148, OMIM 125853, HP:0005978.
Wolfram-like syndrome. Also called: HEARING LOSS, PROGRESSIVE, WITH OPTIC ATROPHY AND/OR IMPAIRED GLUCOSE REGULATION. Identifiers: Orphanet 411590, MedGen C3280358, MONDO:0013673, OMIM 614296.
Cataract 41 (CTRCT41). Also called: CATARACT 41, CONGENITAL NUCLEAR TYPE. Identifiers: Orphanet 91492, Orphanet 98991, Orphanet 98992, Orphanet 98995, MedGen C3805412, MONDO:0007287, OMIM 116400.
Wolfram syndrome 1 (WFS1). Identifiers: Orphanet 3463, MedGen C4551693, MONDO:0009101, OMIM 222300.

Allele frequency attached by ClinVar (database versions not stated): gnomAD exomes below 0.00001 and 0.00001; TOPMed below 0.00001; gnomAD 0.00001; ESP Exome Variant Server 0.00008.
gnomAD v4.1: 10 of 1,609,756 alleles (0.00062%); highest among the groups gnomAD compares: African/African-American, 0.004%; no homozygotes.

Submissions (3):

Fulgent Genetics
Classification: Uncertain significance for Cataract 41; Type 2 diabetes mellitus; Wolfram syndrome 1; Autosomal dominant nonsyndromic hearing loss 6; Wolfram-like syndrome. Last evaluated: 2024-05-18. Review status: criteria provided, single submitter. Criteria: ACMG Guidelines, 2015. Collection method: clinical testing. Allele origin: germline.

Labcorp Genetics (formerly Invitae), Labcorp
Classification: Uncertain significance. Last evaluated: 2023-10-16. Review status: criteria provided, single submitter. Criteria: Invitae Variant Classification Sherloc (09022015). Collection method: clinical testing. Allele origin: germline.
Comment: This sequence change replaces proline, which is neutral and non-polar, with leucine, which is neutral and non-polar, at codon 838 of the WFS1 protein (p.Pro838Leu). This variant is present in population databases (rs374704428, gnomAD 0.0009%). This missense change has been observed in individual(s) with autosomal recessive Wolfram syndrome (PMID: 17568405). ClinVar contains an entry for this variant (Variation ID: 1317630). Advanced modeling of protein sequence and biophysical properties (such as structural, functional, and spatial information, amino acid conservation, physicochemical variation, residue mobility, and thermodynamic stability) has been performed at Invitae for this missense variant, however the output from this modeling did not meet the statistical confidence thresholds required to predict the impact of this variant on WFS1 protein function. In summary, the available evidence is currently insufficient to determine the role of this variant in disease. Therefore, it has been classified as a Variant of Uncertain Significance.

GeneDx
Classification: Uncertain significance. Last evaluated: 2020-01-03. Review status: criteria provided, single submitter. Criteria: GeneDx Variant Classification Process June 2021. Collection method: clinical testing. Allele origin: germline. Affected: yes.
Comment: Observed with a second WFS1 variant in a patient with diabetes, optic atrophy and ataxia in the published literature (Cano et al., 2007); In silico analysis, which includes protein predictors and evolutionary conservation, supports a deleterious effect; Not observed at a significant frequency in large population cohorts (Lek et al., 2016); This variant is associated with the following publications: (PMID: 17568405)

Literature cited by the submitters: PubMed 17568405 (cited by Labcorp Genetics (formerly Invitae), Labcorp).